The following is an entry in ClinVar:

NM_001146312.3(MYOCD):c.1208C>T (p.Pro403Leu)

Gene: MYOCD (myocardin; plus strand). Cytogenetic location: 17p12.
Variant type: single nucleotide variant.
Coding change: c.1208C>T on transcript NM_001146312.3 (MANE Select); coding-DNA position 1208, C replaced by T.
Protein change: p.Pro403Leu; replaces proline 403 with leucine.
Molecular consequence: missense variant.
Genome position (GRCh38, 1-based): chr17:12,752,496, C>T. VCF-style: chr17-12752496-C-T. GRCh37 (hg19) VCF-style: chr17-12655813-C-T.
Other names: c.971C>T, p.Pro324Leu (NM_001378306.1); c.1208C>T, p.Pro403Leu (NM_153604.4); short protein forms P324L, P403L.
Identifiers: ClinVar variation 2499887 (VCV002499887.1), dbSNP rs1371459311, ClinGen allele CA398203407.

ClinVar aggregate classification (germline): Uncertain significance (1 of 4 stars; one submission).

Submission:

GeneDx
Classification: Uncertain significance. Last evaluated: 2022-10-18. Review status: criteria provided, single submitter. Criteria: GeneDx Variant Classification Process June 2021. Collection method: clinical testing. Allele origin: germline. Affected: yes.
Comment: Not observed at significant frequency in large population cohorts (gnomAD); In silico analysis supports that this missense variant has a deleterious effect on protein structure/function; Has not been previously published as pathogenic or benign to our knowledge; Variants in candidate genes are classified as variants of uncertain significance in accordance with ACMG guidelines (Richards et al., 2015)